The following is an entry in ClinVar:

NM_000278.5(PAX2):c.739C>T (p.Arg247Cys)

Gene: PAX2 (paired box 2; plus strand). Cytogenetic location: 10q24.31.
Variant type: single nucleotide variant.
Coding change: c.739C>T on transcript NM_000278.5 (MANE Select); coding-DNA position 739, C replaced by T.
Protein change: p.Arg247Cys; replaces arginine 247 with cysteine.
Molecular consequence: missense variant.
Genome position (GRCh38, 1-based): chr10:100,806,552, C>T. VCF-style: chr10-100806552-C-T. GRCh37 (hg19) VCF-style: chr10-102566309-C-T.
Other names: c.832C>T, p.Arg278Cys (NM_001304569.2); c.808C>T, p.Arg270Cys (NM_003987.5, NM_003990.5); c.739C>T, p.Arg247Cys (NM_003988.5, NM_003989.5); short protein forms R247C, R278C, R270C.
Identifiers: ClinVar variation 1519609 (VCV001519609.9), dbSNP rs756570535, ClinGen allele CA5650839.

ClinVar aggregate classification (germline): Uncertain significance. Review status: criteria provided, multiple submitters, no conflicts (2 of 4 stars). 3 submissions from 3 submitters: Uncertain significance (2). 1 of the submissions does not count toward it. Last evaluated 2024-02-24.

Conditions:
Retinal dystrophy. Also called: Inherited retinal dystrophy. Identifiers: Orphanet 71862, MedGen C0854723, MeSH D058499, MONDO:0019118, HP:0000556.
Focal segmental glomerulosclerosis 7 (FSGS7). Identifiers: Orphanet 656, MedGen C4014925, MONDO:0014451, OMIM 616002.
Renal coloboma syndrome (PAPRS). Also called: OPTIC COLOBOMA, VESICOURETERAL REFLUX, AND RENAL ANOMALIES; OPTIC NERVE COLOBOMA WITH RENAL DISEASE; RENAL-COLOBOMA SYNDROME WITH MACULAR ABNORMALITIES; PAPILLORENAL SYNDROME WITH MILD OCULAR ABNORMALITIES; COLOBOMA OF OPTIC NERVE WITH RENAL DISEASE; PAPILLORENAL SYNDROME. Identifiers: Orphanet 1475, MedGen C1852759, MONDO:0007352, OMIM 120330.

Allele frequency attached by ClinVar (database versions not stated): gnomAD exomes 0.00004; gnomAD 0.00005; TOPMed 0.00005.

Submissions (3):

Labcorp Genetics (formerly Invitae), Labcorp
Classification: Uncertain significance for Renal coloboma syndrome; Focal segmental glomerulosclerosis 7. Last evaluated: 2024-02-24. Review status: criteria provided, single submitter. Criteria: Invitae Variant Classification Sherloc (09022015). Collection method: clinical testing. Allele origin: germline.
Comment: This sequence change replaces arginine, which is basic and polar, with cysteine, which is neutral and slightly polar, at codon 247 of the PAX2 protein (p.Arg247Cys). This variant is present in population databases (rs756570535, gnomAD 0.02%). This variant has not been reported in the literature in individuals affected with PAX2-related conditions. ClinVar contains an entry for this variant (Variation ID: 1519609). Experimental studies and prediction algorithms are not available or were not evaluated, and the functional significance of this variant is currently unknown. In summary, the available evidence is currently insufficient to determine the role of this variant in disease. Therefore, it has been classified as a Variant of Uncertain Significance.

Fulgent Genetics
Classification: Uncertain significance for Renal coloboma syndrome; Focal segmental glomerulosclerosis 7. Last evaluated: 2024-01-25. Review status: criteria provided, single submitter. Criteria: ACMG Guidelines, 2015. Collection method: clinical testing. Allele origin: germline.

Institute of Human Genetics, Univ. Regensburg, Univ. Regensburg
Classification: Uncertain significance for Retinal dystrophy. Last evaluated: 2021-01-01. Review status: no assertion criteria provided. Criteria: ACMG Guidelines, 2015. Collection method: clinical testing. Allele origin: germline. Affected: yes. Not counted in ClinVar's aggregate classification.